The following is an entry in ClinVar:

NM_000245.4(MET):c.3814C>G (p.Leu1272Val)

Gene: MET (MET proto-oncogene, receptor tyrosine kinase; plus strand). Cytogenetic location: 7q31.2.
Variant type: single nucleotide variant.
Coding change: c.3814C>G on transcript NM_000245.4 (MANE Select); coding-DNA position 3814, C replaced by G.
Protein change: p.Leu1272Val; replaces leucine 1272 with valine.
Molecular consequence: missense variant.
Genome position (GRCh38, 1-based): chr7:116,795,670, C>G. VCF-style: chr7-116795670-C-G. GRCh37 (hg19) VCF-style: chr7-116435724-C-G.
Other names: c.3868C>G, p.Leu1290Val (NM_001127500.3); c.2524C>G, p.Leu842Val (NM_001324402.2); short protein forms L1272V, L842V, L1290V.
Identifiers: ClinVar variation 4827491 (VCV004827491.1).
Genomic context (GRCh38, chr7:116,795,670, plus strand): 5'-TGGTCACATCTCTCACCTCATCTGTCCTGTTTCTTGTTTTACTAGTGGTCCTTTGGCGTG[C>G]TCCTCTGGGAGCTGATGACAAGAGGAGCCCCACCTTATCCTGACGTAAACACCTTTGATA-3'
Protein context (NP_000236.2, residues 1262-1282): TKSDVWSFGV[Leu1272Val]LWELMTRGAP

ClinVar aggregate classification (germline): Uncertain significance (1 of 4 stars; one submission).

Conditions:
Hereditary cancer-predisposing syndrome. Also called: Neoplastic Syndromes, Hereditary; Tumor predisposition; Hereditary Cancer Syndrome; Hereditary neoplastic syndrome. Identifiers: Orphanet 140162, MedGen C0027672, MeSH D009386, MONDO:0015356.

Submission:

Ambry Genetics
Classification: Uncertain significance for Hereditary cancer-predisposing syndrome. Last evaluated: 2026-02-26. Review status: criteria provided, single submitter. Criteria: Ambry Variant Classification Scheme 2023. Collection method: clinical testing. Allele origin: germline.
Comment: The p.L1290V variant (also known as c.3868C>G), located in coding exon 19 of the MET gene, results from a C to G substitution at nucleotide position 3868. The leucine at codon 1290 is replaced by valine, an amino acid with highly similar properties. This amino acid position is conserved. In addition, the in silico prediction for this alteration is inconclusive. Based on the available evidence, the clinical significance of this variant remains unclear.